The following is an entry in ClinVar:

ClinVar aggregate classification (germline): Benign. Review status: criteria provided, multiple submitters, no conflicts (2 of 4 stars). 2 submissions from 2 submitters: Benign (2). Last evaluated 2018-01-13.

Conditions:
Sorsby fundus dystrophy (SFD). Also called: MACULAR DYSTROPHY, HEMORRHAGIC; Sorsby fundus dystrophy, Lavia type; FUNDUS DYSTROPHY, PSEUDOINFLAMMATORY, OF SORSBY. Identifiers: Orphanet 59181, MedGen C1850938, MONDO:0007640, OMIM 136900.

Allele frequency attached by ClinVar (database versions not stated): 1000 Genomes Project 0.01518; 1000 Genomes Project 30x 0.01530; gnomAD 0.01601 and 0.01622; TOPMed 0.01747.

Submissions (2):

Illumina Laboratory Services, Illumina
Classification: Benign for Sorsby fundus dystrophy. Last evaluated: 2018-01-13. Review status: criteria provided, single submitter. Criteria: ICSL Variant Classification Criteria 13 December 2019. Collection method: clinical testing. Allele origin: germline.
Comment: This variant was observed in the ICSL laboratory as part of a predisposition screen in an ostensibly healthy population. It had not been previously curated by ICSL or reported in the Human Gene Mutation Database (HGMD: prior to June 1st, 2018), and was therefore a candidate for classification through an automated scoring system. Utilizing variant allele frequency, disease prevalence and penetrance estimates, and inheritance mode, an automated score was calculated to assess if this variant is too frequent to cause the disease. Based on the score and internal cut-off values, a variant classified as benign is not then subjected to further curation. The score for this variant resulted in a classification of benign for this disease.

Breakthrough Genomics
Classification: Benign. Review status: criteria provided, single submitter. Criteria: ACMG Guidelines, 2015. Collection method: not provided. Allele origin: germline. Inheritance: Autosomal dominant inheritance. Affected: yes.

NM_000362.5(TIMP3):c.*1900C>T

Genes: SYN3 (synapsin III; minus strand), TIMP3 (TIMP metallopeptidase inhibitor 3; plus strand). Cytogenetic location: 22q12.3.
Variant type: single nucleotide variant.
Coding change: c.*1900C>T on transcript NM_000362.5 (MANE Select); 1900 bases downstream of the stop codon, C replaced by T.
Molecular consequence: 3 prime UTR variant. On other transcripts: intron variant (7).
Genome position (GRCh38, 1-based): chr22:32,861,277, C>T. VCF-style: chr22-32861277-C-T. GRCh37 (hg19) VCF-style: chr22-33257264-C-T.
Other names: c.708+3638G>A (NM_001369909.1, NM_001135774.2, NM_001369910.1); c.711+3638G>A (NM_001369907.1, NM_003490.4, NM_001369908.1 and 1 more transcripts).
Identifiers: ClinVar variation 341376 (VCV000341376.6), dbSNP rs5998648, ClinGen allele CA10651181.
Genomic context (GRCh38, chr22:32,861,277, plus strand): 5'-GCACACACACAAGTGCCCAGGCAAGGTGCTTGGCAGAACCGCAGAGTGGGAAGAGAGTAC[C>T]GGCATCGGGTTTCCTTGGGATCAATTTCATTACCGTGTACCTTTCCCATTGTGGTCATGC-3'